The following is an entry in ClinVar:

NM_023110.3(FGFR1):c.1152dup (p.Phe385fs)

Gene: FGFR1 (fibroblast growth factor receptor 1; minus strand). Cytogenetic location: 8p11.23.
Variant type: Duplication.
Coding change: c.1152dup on transcript NM_023110.3 (MANE Select); coding-DNA position 1152, one base duplicated (C; older notation c.1152dupC).
Protein change: p.Phe385fs; shifts the reading frame from phenylalanine 385.
Molecular consequence: frameshift variant.
Genome position (GRCh38, 1-based): chr8:38,419,665, G duplicated on the plus strand (C on the coding strand, the reverse complement: FGFR1 is on the minus strand); the first of 2 consecutive G bases (chr8:38,419,665-38,419,666); duplicating either gives the same sequence. VCF-style (leftmost placement, unchanged base first): chr8-38419664-A-AG. GRCh37 (hg19) VCF-style: chr8-38277182-A-AG.
Other names: c.1151dup, p.Phe385Leufs (NM_000604.2); c.1152dup, p.Phe385fs (NM_001174063.2); c.1128dup, p.Phe377fs (NM_001174064.2); c.1146dup, p.Phe383fs (NM_001174065.2, NM_001354367.2, NM_001354369.2 and 2 more transcripts); c.885dup, p.Phe296fs (NM_001174066.2, NM_023105.3); c.1245dup, p.Phe416fs (NM_001174067.2); c.879dup, p.Phe294fs (NM_001354368.2, NM_001354370.2, NM_023106.3); c.1152dup (NM_023110.2); short protein forms F294fs, F296fs, F377fs, F383fs, F385fs, F416fs.
Identifiers: ClinVar variation 2505384 (VCV002505384.1), dbSNP rs2536965692, ClinGen allele CA2580614546.

ClinVar aggregate classification (germline): Pathogenic (1 of 4 stars; one submission).

Conditions:
Hypogonadotropic hypogonadism 2 with or without anosmia (HH2). Also called: FGFR1-Related GnRH Deficiency (Kallmann Syndrome 2); HYPOGONADOTROPIC HYPOGONADISM 2 WITHOUT ANOSMIA; HYPOGONADOTROPIC HYPOGONADISM 2 WITH OR WITHOUT ANOSMIA, SUSCEPTIBILITY TO; HYPOGONADOTROPIC HYPOGONADISM 2 WITHOUT ANOSMIA, SUSCEPTIBILITY TO. Identifiers: Orphanet 478, MedGen C1563720, MONDO:0007844, OMIM 147950. Disease mechanism: loss of function.

Submission:

Reproductive Endocrine Unit, Massachusetts General Hospital
Classification: Pathogenic for Hypogonadotropic hypogonadism 2 with or without anosmia. Last evaluated: 2023-05-04. Review status: criteria provided, single submitter. Criteria: ACMG Guidelines, 2015. Collection method: research. Allele origin: inherited. Affected: yes. Observed: 1 variant allele.
Comment: The variant NM_023110.2:c.1152dup, p.(Phe385Leufs*23) het has been classified as P1c based on the variant meeting the following ACMG Criteria: PVS1,PM2,PP1,PP3.